The following is an entry in ClinVar:

ClinVar aggregate classification (germline): Uncertain significance (1 of 4 stars; one submission).

Submission:

Labcorp Genetics (formerly Invitae), Labcorp
Classification: Uncertain significance. Last evaluated: 2023-04-28. Review status: criteria provided, single submitter. Criteria: Invitae Variant Classification Sherloc (09022015). Collection method: clinical testing. Allele origin: germline.
Comment: This sequence change replaces methionine, which is neutral and non-polar, with lysine, which is basic and polar, at codon 1922 of the CHD5 protein (p.Met1922Lys). This variant is not present in population databases (gnomAD no frequency). This variant has not been reported in the literature in individuals affected with CHD5-related conditions. An algorithm developed to predict the effect of missense changes on protein structure and function (PolyPhen-2) suggests that this variant is likely to be tolerated. Algorithms developed to predict the effect of sequence changes on RNA splicing suggest that this variant may disrupt the consensus splice site. In summary, the available evidence is currently insufficient to determine the role of this variant in disease. Therefore, it has been classified as a Variant of Uncertain Significance.

NM_015557.3(CHD5):c.5765T>A (p.Met1922Lys)

Gene: CHD5 (chromodomain helicase DNA binding protein 5; minus strand). Cytogenetic location: 1p36.31.
Variant type: single nucleotide variant.
Coding change: c.5765T>A on transcript NM_015557.3 (MANE Select); coding-DNA position 5765, T replaced by A.
Protein change: p.Met1922Lys; replaces methionine 1922 with lysine.
Molecular consequence: missense variant.
Genome position (GRCh38, 1-based): chr1:6,106,487, A>T on the plus strand (T>A on the coding strand, the complement: CHD5 is on the minus strand). VCF-style: chr1-6106487-A-T. GRCh37 (hg19) VCF-style: chr1-6166547-A-T.
Other names: short protein forms M1922K.
Identifiers: ClinVar variation 2872160 (VCV002872160.3), dbSNP rs1164737709, ClinGen allele CA338063229.